The following is an entry in ClinVar:

NM_024408.4(NOTCH2):c.4569C>T (p.Asn1523=)

Gene: NOTCH2 (notch receptor 2; minus strand). Cytogenetic location: 1p12.
Variant type: single nucleotide variant.
Coding change: c.4569C>T on transcript NM_024408.4 (MANE Select); coding-DNA position 4569, C replaced by T.
Protein change: p.Asn1523=; no amino-acid change (asparagine 1523 retained).
Molecular consequence: synonymous variant.
Genome position (GRCh38, 1-based): chr1:119,923,927, G>A on the plus strand (C>T on the coding strand, the complement: NOTCH2 is on the minus strand). VCF-style: chr1-119923927-G-A. GRCh37 (hg19) VCF-style: chr1-120466550-G-A.
Identifiers: ClinVar variation 4984527 (VCV004984527.1).
Genomic context (GRCh38, chr1:119,923,927, plus strand): 5'-TGCCAGGTTCTCAGGTTGGTCAGCAGCACAGTCCAGCCCATCCCAACCACACTCCTCACT[G>A]TTGCACCCCTGGTCACAGTGGTTGTCTTTGAAGTGGTCTGCACAGTATTTGTCATACCTA-3'
Protein context (NP_077719.2, residues 1513-1533): FKDNHCDQGC[Asn1523=]SEECGWDGLD

ClinVar aggregate classification (germline): Likely benign (1 of 4 stars; one submission).

Conditions:
NOTCH2-related disorder. Also called: NOTCH2-related condition.

Submission:

PreventionGenetics, part of Exact Sciences
Classification: Likely benign for NOTCH2-related condition. Last evaluated: 2024-11-04. Review status: criteria provided, single submitter. Criteria: ACMG Guidelines, 2015. Collection method: clinical testing. Allele origin: germline.
Comment: This variant is classified as likely benign based on ACMG/AMP sequence variant interpretation guidelines (Richards et al. 2015 PMID: 25741868, with internal and published modifications).